The following is an entry in ClinVar:

NM_007294.4(BRCA1):c.4270C>T (p.Gln1424Ter)

Gene: BRCA1 (BRCA1 DNA repair associated; minus strand). Cytogenetic location: 17q21.31.
Variant type: single nucleotide variant.
Coding change: c.4270C>T on transcript NM_007294.4 (MANE Select); coding-DNA position 4270, C replaced by T.
Protein change: p.Gln1424Ter; replaces glutamine 1424 with a stop codon.
Molecular consequence: nonsense. On other transcripts: non-coding transcript variant (1).
Genome position (GRCh38, 1-based): chr17:43,082,491, G>A on the plus strand (C>T on the coding strand, the complement: BRCA1 is on the minus strand). VCF-style: chr17-43082491-G-A. GRCh37 (hg19) VCF-style: chr17-41234508-G-A.
Other names: 4389C>T (Q1424X); c.4057C>T, p.Gln1353Ter (NM_001407571.1, NM_001407853.1, NM_001407895.1 and 12 more transcripts); c.4270C>T, p.Gln1424Ter (NM_001407581.1, NM_001407582.1, NM_001407583.1 and 23 more transcripts); c.4267C>T, p.Gln1423Ter (NM_001407587.1, NM_001407590.1, NM_001407591.1 and 21 more transcripts); c.4264C>T, p.Gln1422Ter (NM_001407627.1, NM_001407628.1, NM_001407629.1 and 5 more transcripts); c.4258C>T, p.Gln1420Ter (NM_001407646.1, NM_001407647.1); c.4147C>T, p.Gln1383Ter (NM_001407648.1, NM_001407665.1, NM_001407666.1 and 13 more transcripts); c.4144C>T, p.Gln1382Ter (NM_001407649.1, NM_001407670.1, NM_001407671.1 and 12 more transcripts); and 52 more; short protein forms Q1424*, Q1377*, Q321*, Q1128*, Q1311*, Q1335*, Q1383*, Q1398*.
Identifiers: ClinVar variation 266464 (VCV000266464.14), dbSNP rs886040220, ClinGen allele CA10589674.
Genomic context (GRCh38, chr17:43,082,491, plus strand): 5'-TTCGCAGGTCCTCAAGGGCAGAAGAGTCACTTATGATGGAAGGGTAGCTGTTAGAAGGCT[G>A]GCTCCCATGCTGTTCTAACACAGCTTCTAGTTCAGCCATTTCCTGCTGGAGCTTTATCAG-3'

ClinVar aggregate classification (germline): Pathogenic. Review status: reviewed by expert panel (3 of 4 stars). 4 submissions from 4 submitters: Pathogenic (1). 3 of the submissions do not count toward it. Last evaluated 2016-10-18.

Conditions:
Hereditary cancer-predisposing syndrome. Also called: Hereditary Cancer Syndrome; Neoplastic Syndromes, Hereditary; Hereditary neoplastic syndrome; Tumor predisposition. Identifiers: Orphanet 140162, MedGen C0027672, MeSH D009386, MONDO:0015356.
Hereditary breast ovarian cancer syndrome. Also called: Hereditary breast and ovarian cancer syndrome (HBOC); Breast and ovarian cancer; Hereditary breast and ovarian cancer syndrome; Hereditary breast and ovarian cancer; BRCA1- and BRCA2-Associated Hereditary Breast and Ovarian Cancer; Hereditary breast and/or ovarian cancer syndrome. Identifiers: Orphanet 145, MedGen C0677776, MeSH D061325, MONDO:0003582. Disease mechanism: loss of function.
Breast-ovarian cancer, familial, susceptibility to, 1 (BROVCA1). Also called: BRCA1 Hereditary Breast and Ovarian Cancer; OVARIAN CANCER, SUSCEPTIBILITY TO. Identifiers: Orphanet 145, MedGen C2676676, MONDO:0011450, OMIM 604370. Disease mechanism: loss of function.

Submissions (4):

Evidence-based Network for the Interpretation of Germline Mutant Alleles (ENIGMA)
Classification: Pathogenic for Breast-ovarian cancer, familial, susceptibility to, 1. Last evaluated: 2016-10-18. Review status: reviewed by expert panel. Criteria: ENIGMA BRCA1/2 Classification Criteria (2015). Collection method: curation. Allele origin: germline.
Comment: Variant allele predicted to encode a truncated non-functional protein.

Labcorp Genetics (formerly Invitae), Labcorp
Classification: Pathogenic for Hereditary breast ovarian cancer syndrome. Last evaluated: 2021-11-19. Review status: criteria provided, single submitter. Criteria: Invitae Variant Classification Sherloc (09022015). Collection method: clinical testing. Allele origin: germline. Not counted in ClinVar's aggregate classification.
Comment: For these reasons, this variant has been classified as Pathogenic. ClinVar contains an entry for this variant (Variation ID: 266464). This premature translational stop signal has been observed in individual(s) with breast and/or ovarian cancer (PMID: 28294317, 29446198). This variant is not present in population databases (gnomAD no frequency). This sequence change creates a premature translational stop signal (p.Gln1424*) in the BRCA1 gene. It is expected to result in an absent or disrupted protein product. Loss-of-function variants in BRCA1 are known to be pathogenic (PMID: 20104584).

Color Diagnostics, LLC DBA Color Health
Classification: Pathogenic for Hereditary cancer-predisposing syndrome. Last evaluated: 2019-07-16. Review status: criteria provided, single submitter. Criteria: ACMG Guidelines, 2015. Collection method: clinical testing. Allele origin: germline. Not counted in ClinVar's aggregate classification.
Comment: This variant changes 1 nucleotide in exon 12 of the BRCA1 gene, creating a premature translation stop signal. This variant is expected to result in an absent or non-functional protein product. Computational splicing tools suggest that this variant may not impact RNA splicing. This variant has been reported in an individual affected with breast cancer (PMID: 28294317). This variant has not been identified in the general population by the Genome Aggregation Database (gnomAD). Loss of BRCA1 function is a known mechanism of disease. Based on available evidence, this variant is classified as Pathogenic.

Consortium of Investigators of Modifiers of BRCA1/2 (CIMBA), c/o University of Cambridge
Classification: Pathogenic for Breast-ovarian cancer, familial, susceptibility to, 1. Last evaluated: 2015-10-02. Review status: criteria provided, single submitter. Criteria: CIMBA Mutation Classification guidelines May 2016. Collection method: clinical testing. Allele origin: germline. Not counted in ClinVar's aggregate classification.

Literature cited by the submitters: PubMed 28294317 (cited by Labcorp Genetics (formerly Invitae), Labcorp); PubMed 29446198 (cited by Labcorp Genetics (formerly Invitae), Labcorp); PubMed 20104584 (cited by Labcorp Genetics (formerly Invitae), Labcorp).